The following is an entry in ClinVar:

NM_004329.3(BMPR1A):c.500T>C (p.Met167Thr)

Gene: BMPR1A (bone morphogenetic protein receptor type 1A; plus strand). Cytogenetic location: 10q23.2.
Variant type: single nucleotide variant.
Coding change: c.500T>C on transcript NM_004329.3 (MANE Select); coding-DNA position 500, T replaced by C.
Protein change: p.Met167Thr; replaces methionine 167 with threonine.
Molecular consequence: missense variant. On other transcripts: non-coding transcript variant (3), intron variant (1).
Genome position (GRCh38, 1-based): chr10:86,900,096, T>C. VCF-style: chr10-86900096-T-C. GRCh37 (hg19) VCF-style: chr10-88659853-T-C.
Other names: c.500T>C, p.Met167Thr (NM_001406559.1, NM_001406560.1, NM_001406561.1 and 22 more transcripts); c.416T>C, p.Met139Thr (NM_001406584.1, NM_001406585.1, NM_001406586.1 and 2 more transcripts); c.333+7867T>C (NM_001406589.1); short protein forms M139T, M167T.
Identifiers: ClinVar variation 5032971 (VCV005032971.1).

ClinVar aggregate classification (germline): Uncertain significance (1 of 4 stars; one submission).

Conditions:
Hereditary cancer-predisposing syndrome. Also called: Neoplastic Syndromes, Hereditary; Tumor predisposition; Hereditary neoplastic syndrome; Hereditary Cancer Syndrome. Identifiers: Orphanet 140162, MedGen C0027672, MeSH D009386, MONDO:0015356.

Submission:

Ambry Genetics
Classification: Uncertain significance for Hereditary cancer-predisposing syndrome. Last evaluated: 2026-07-06. Review status: criteria provided, single submitter. Criteria: Ambry Variant Classification Scheme 2023. Collection method: clinical testing. Allele origin: germline.
Comment: The p.M167T variant (also known as c.500T>C), located in coding exon 5 of the BMPR1A gene, results from a T to C substitution at nucleotide position 500. The methionine at codon 167 is replaced by threonine, an amino acid with similar properties. This amino acid position is conserved. In addition, the in silico prediction for this alteration is inconclusive. Based on the available evidence, the clinical significance of this variant remains unclear.